The following is an entry in ClinVar:

NM_001378120.1(MBD5):c.4601T>C (p.Phe1534Ser)

Gene: MBD5 (methyl-CpG binding domain protein 5; plus strand). Cytogenetic location: 2q23.1.
Variant type: single nucleotide variant.
Coding change: c.4601T>C on transcript NM_001378120.1 (MANE Select); coding-DNA position 4601, T replaced by C.
Protein change: p.Phe1534Ser; replaces phenylalanine 1534 with serine.
Molecular consequence: missense variant.
Genome position (GRCh38, 1-based): chr2:148,490,233, T>C. VCF-style: chr2-148490233-T-C. GRCh37 (hg19) VCF-style: chr2-149247802-T-C.
Other names: c.3902T>C, p.Phe1301Ser (NM_018328.5); short protein forms F1301S, F1534S.
Identifiers: ClinVar variation 468782 (VCV000468782.9), dbSNP rs755983540, ClinGen allele CA1900443.

ClinVar aggregate classification (germline): Uncertain significance (1 of 4 stars; one submission).

Conditions:
Intellectual developmental disorder, autosomal dominant 1. Also called: MBD5 Haploinsufficiency; Intellectual disability, autosomal dominant 1. Identifiers: Orphanet 228402, MedGen C1969562, MONDO:0007974, OMIM 156200.

Allele frequency attached by ClinVar (database versions not stated): gnomAD 0.00001; gnomAD exomes 0.00004 and 0.00002; ExAC 0.00001; TOPMed 0.00002.
gnomAD v4.1: 11 of 1,614,022 alleles (0.00068%); highest among the groups gnomAD compares: Admixed American, 0.018%; no homozygotes.

Submission:

Labcorp Genetics (formerly Invitae), Labcorp
Classification: Uncertain significance for Intellectual developmental disorder, autosomal dominant 1. Last evaluated: 2024-10-03. Review status: criteria provided, single submitter. Criteria: Invitae Variant Classification Sherloc (09022015). Collection method: clinical testing. Allele origin: germline.
Comment: This sequence change replaces phenylalanine, which is neutral and non-polar, with serine, which is neutral and polar, at codon 1301 of the MBD5 protein (p.Phe1301Ser). This variant is present in population databases (rs755983540, gnomAD 0.02%). This variant has not been reported in the literature in individuals affected with MBD5-related conditions. ClinVar contains an entry for this variant (Variation ID: 468782). Experimental studies and prediction algorithms are not available or were not evaluated, and the functional significance of this variant is currently unknown. In summary, the available evidence is currently insufficient to determine the role of this variant in disease. Therefore, it has been classified as a Variant of Uncertain Significance.